The following is an entry in ClinVar:

ClinVar aggregate classification (germline): Uncertain significance (1 of 4 stars; one submission).

Allele frequency attached by ClinVar (database versions not stated): ExAC 0.00001; gnomAD 0.00007; TOPMed 0.00008.
gnomAD v4.1: 24 of 1,613,936 alleles (0.0015%); highest among the groups gnomAD compares: Admixed American, 0.037%; no homozygotes.

Submission:

Labcorp Genetics (formerly Invitae), Labcorp
Classification: Uncertain significance. Last evaluated: 2022-09-16. Review status: criteria provided, single submitter. Criteria: Invitae Variant Classification Sherloc (09022015). Collection method: clinical testing. Allele origin: germline.
Comment: This sequence change replaces serine, which is neutral and polar, with asparagine, which is neutral and polar, at codon 509 of the DSG1 protein (p.Ser509Asn). This variant is present in population databases (rs756831497, gnomAD 0.04%). This variant has not been reported in the literature in individuals affected with DSG1-related conditions. Algorithms developed to predict the effect of missense changes on protein structure and function output the following: SIFT: "Tolerated"; PolyPhen-2: "Benign"; Align-GVGD: "Class C0". The asparagine amino acid residue is found in multiple mammalian species, which suggests that this missense change does not adversely affect protein function. In summary, the available evidence is currently insufficient to determine the role of this variant in disease. Therefore, it has been classified as a Variant of Uncertain Significance.

NM_001942.4(DSG1):c.1526G>A (p.Ser509Asn)

Gene: DSG1 (desmoglein 1; plus strand). Cytogenetic location: 18q12.1.
Variant type: single nucleotide variant.
Coding change: c.1526G>A on transcript NM_001942.4 (MANE Select); coding-DNA position 1526, G replaced by A.
Protein change: p.Ser509Asn; replaces serine 509 with asparagine.
Molecular consequence: missense variant.
Genome position (GRCh38, 1-based): chr18:31,339,864, G>A. VCF-style: chr18-31339864-G-A. GRCh37 (hg19) VCF-style: chr18-28919827-G-A.
Other names: short protein forms S509N.
Identifiers: ClinVar variation 1916694 (VCV001916694.5), dbSNP rs756831497, ClinGen allele CA8926102.